The following is an entry in ClinVar:

ClinVar aggregate classification (germline): Pathogenic (1 of 4 stars; one submission).

Conditions:
Cardiovascular phenotype. Identifiers: MedGen CN230736.
Hereditary cancer-predisposing syndrome. Also called: Hereditary Cancer Syndrome; Hereditary neoplastic syndrome; Neoplastic Syndromes, Hereditary; Tumor predisposition. Identifiers: Orphanet 140162, MedGen C0027672, MeSH D009386, MONDO:0015356.

Submission:

Ambry Genetics
Classification: Pathogenic for Cardiovascular phenotype; Hereditary cancer-predisposing syndrome. Last evaluated: 2025-05-28. Review status: criteria provided, single submitter. Criteria: Ambry Variant Classification Scheme 2023. Collection method: clinical testing. Allele origin: germline.
Comment: The p.K186* pathogenic mutation (also known as c.556A>T), located in coding exon 6 of the LZTR1 gene, results from an A to T substitution at nucleotide position 556. This changes the amino acid from a lysine to a stop codon within coding exon 6. This variant is considered to be rare based on population cohorts in the Genome Aggregation Database (gnomAD). This alteration is expected to result in loss of function by premature protein truncation or nonsense-mediated mRNA decay. Loss-of-function variants in LZTR1 are related to an increased risk for schwannomas and autosomal recessive Noonan syndrome; however, such associations with autosomal dominant Noonan syndrome have not been observed (Piotrowski A et al. Nat Genet. 2014 Feb;46:182-7; Yamamoto GL et al. J Med Genet. 2015 Jun;52:413-21; Johnston JJ et al. Genet Med. 2018 10;20:1175-1185). Based on the supporting evidence, this variant is pathogenic for an increased risk of LZTR1-related schwannomatosis (SWN) and would be expected to cause autosomal recessive Noonan syndrome when present along with a second pathogenic or likely pathogenic variant on the other allele; however, the association of this alteration with autosomal dominant Noonan syndrome is unlikely.

NM_006767.4(LZTR1):c.556A>T (p.Lys186Ter)

Gene: LZTR1 (leucine zipper like post translational regulator 1; plus strand). Cytogenetic location: 22q11.21.
Variant type: single nucleotide variant.
Coding change: c.556A>T on transcript NM_006767.4 (MANE Select); coding-DNA position 556, A replaced by T.
Protein change: p.Lys186Ter; replaces lysine 186 with a stop codon.
Molecular consequence: nonsense.
Genome position (GRCh38, 1-based): chr22:20,988,835, A>T. VCF-style: chr22-20988835-A-T. GRCh37 (hg19) VCF-style: chr22-21343124-A-T.
Other names: short protein forms K186*.
Identifiers: ClinVar variation 3925768 (VCV003925768.1).